The following is an entry in ClinVar:

ClinVar aggregate classification (germline): Uncertain significance (1 of 4 stars; one submission).

Submission:

Ambry Genetics
Classification: Uncertain significance. Last evaluated: 2025-11-24. Review status: criteria provided, single submitter. Criteria: Ambry Variant Classification Scheme 2023. Collection method: clinical testing. Allele origin: germline.
Comment: The p.F277L variant (also known as c.831T>A), located in coding exon 6 of the RECQL gene, results from a T to A substitution at nucleotide position 831. The phenylalanine at codon 277 is replaced by leucine, an amino acid with highly similar properties. This amino acid position is conserved. In addition, this alteration is predicted to be tolerated by in silico analysis. Based on the available evidence, the clinical significance of this variant remains unclear.

NM_002907.4(RECQL):c.831T>A (p.Phe277Leu)

Gene: RECQL (RecQ like helicase; minus strand). Cytogenetic location: 12p12.1.
Variant type: single nucleotide variant.
Coding change: c.831T>A on transcript NM_002907.4 (MANE Select); coding-DNA position 831, T replaced by A.
Protein change: p.Phe277Leu; replaces phenylalanine 277 with leucine.
Molecular consequence: missense variant.
Genome position (GRCh38, 1-based): chr12:21,477,839, A>T on the plus strand (T>A on the coding strand, the complement: RECQL is on the minus strand). VCF-style: chr12-21477839-A-T. GRCh37 (hg19) VCF-style: chr12-21630773-A-T.
Other names: c.831T>A, p.Phe277Leu (NM_032941.3); short protein forms F277L.
Identifiers: ClinVar variation 4576955 (VCV004576955.1).